The following is an entry in ClinVar:

NM_181712.5(KANK4):c.2231+3G>A

Gene: KANK4 (KN motif and ankyrin repeat domains 4; minus strand). Cytogenetic location: 1p31.3.
Variant type: single nucleotide variant.
Coding change: c.2231+3G>A on transcript NM_181712.5 (MANE Select); 3 bases into the intron after coding-DNA position 2231, G replaced by A.
Molecular consequence: intron variant.
Genome position (GRCh38, 1-based): chr1:62,268,284, C>T on the plus strand (G>A on the coding strand, the complement: KANK4 is on the minus strand). VCF-style: chr1-62268284-C-T. GRCh37 (hg19) VCF-style: chr1-62733956-C-T.
Other names: c.347+3G>A (NM_001320269.2).
Identifiers: ClinVar variation 2727868 (VCV002727868.3), dbSNP rs763588781, ClinGen allele CA884188.

ClinVar aggregate classification (germline): Uncertain significance (1 of 4 stars; one submission).

Allele frequency attached by ClinVar (database versions not stated): ExAC 0.00004; gnomAD 0.00004; gnomAD exomes 0.00004; TOPMed 0.00005.
gnomAD v4.1: 66 of 1,612,530 alleles (0.0041%); highest among the groups gnomAD compares: Admixed American, 0.0083%; no homozygotes.

Submission:

Labcorp Genetics (formerly Invitae), Labcorp
Classification: Uncertain significance. Last evaluated: 2023-10-06. Review status: criteria provided, single submitter. Criteria: Invitae Variant Classification Sherloc (09022015). Collection method: clinical testing. Allele origin: germline.
Comment: This sequence change falls in intron 5 of the KANK4 gene. It does not directly change the encoded amino acid sequence of the KANK4 protein. It affects a nucleotide within the consensus splice site. This variant is present in population databases (rs763588781, gnomAD 0.005%). This variant has not been reported in the literature in individuals affected with KANK4-related conditions. Variants that disrupt the consensus splice site are a relatively common cause of aberrant splicing (PMID: 17576681, 9536098). Algorithms developed to predict the effect of sequence changes on RNA splicing suggest that this variant is not likely to affect RNA splicing. In summary, the available evidence is currently insufficient to determine the role of this variant in disease. Therefore, it has been classified as a Variant of Uncertain Significance.

Literature cited by the submitters: PubMed 17576681; PubMed 9536098.